The following is an entry in ClinVar:

ClinVar aggregate classification (germline): Uncertain significance. Review status: criteria provided, multiple submitters, no conflicts (2 of 4 stars). 2 submissions from 2 submitters: Uncertain significance (2). Last evaluated 2024-12-04.

Conditions:
Inborn genetic diseases. Identifiers: MedGen C0950123, MeSH D030342.

Allele frequency attached by ClinVar (database versions not stated): gnomAD exomes 0.00001 and 0.00002; gnomAD 0.00001; ExAC 0.00002; TOPMed 0.00001.

Submissions (2):

Ambry Genetics
Classification: Uncertain significance for Inborn genetic diseases. Last evaluated: 2024-12-04. Review status: criteria provided, single submitter. Criteria: Ambry Variant Classification Scheme 2023. Collection method: clinical testing. Allele origin: germline.

Labcorp Genetics (formerly Invitae), Labcorp
Classification: Uncertain significance. Last evaluated: 2024-02-24. Review status: criteria provided, single submitter. Criteria: Invitae Variant Classification Sherloc (09022015). Collection method: clinical testing. Allele origin: germline.
Comment: This sequence change replaces isoleucine, which is neutral and non-polar, with valine, which is neutral and non-polar, at codon 1825 of the PCDH15 protein (p.Ile1825Val). This variant is present in population databases (rs762129080, gnomAD 0.02%). This variant has not been reported in the literature in individuals affected with PCDH15-related conditions. ClinVar contains an entry for this variant (Variation ID: 1347687). Experimental studies and prediction algorithms are not available or were not evaluated, and the functional significance of this variant is currently unknown. In summary, the available evidence is currently insufficient to determine the role of this variant in disease. Therefore, it has been classified as a Variant of Uncertain Significance.

NM_033056.4(PCDH15):c.5473A>G (p.Ile1825Val)

Gene: PCDH15 (protocadherin related 15; minus strand). Cytogenetic location: 10q21.1.
Variant type: single nucleotide variant.
Coding change: c.5473A>G on transcript NM_033056.4 (MANE Plus Clinical); coding-DNA position 5473, A replaced by G.
Protein change: p.Ile1825Val; replaces isoleucine 1825 with valine.
Molecular consequence: missense variant. On other transcripts: intron variant (8).
Genome position (GRCh38, 1-based): chr10:53,822,253, T>C on the plus strand (A>G on the coding strand, the complement: PCDH15 is on the minus strand). VCF-style: chr10-53822253-T-C. GRCh37 (hg19) VCF-style: chr10-55582013-T-C.
Other names: c.5494A>G, p.Ile1832Val (NM_001142763.2); c.5479A>G, p.Ile1827Val (NM_001142764.2); c.5266A>G, p.Ile1756Val (NM_001142765.2); c.5464A>G, p.Ile1822Val (NM_001142766.2); c.5353A>G, p.Ile1785Val (NM_001142767.2); c.5413A>G, p.Ile1805Val (NM_001142768.2); c.5404A>G, p.Ile1802Val (NM_001142773.2); c.5407A>G, p.Ile1803Val (NM_001354404.2); and 7 more; short protein forms I1805V, I1825V, I1832V, I1756V, I1785V, I1802V, I1803V, I1822V.
Identifiers: ClinVar variation 1347687 (VCV001347687.8), dbSNP rs762129080, ClinGen allele CA5505027.